The following is an entry in ClinVar:

NM_000094.4(COL7A1):c.8558_8568del (p.Tyr2852_Ser2853insTer)

Gene: COL7A1 (collagen type VII alpha 1 chain; minus strand). Cytogenetic location: 3p21.31.
Variant type: Deletion.
Coding change: c.8558_8568del on transcript NM_000094.4 (MANE Select); coding-DNA positions 8558 to 8568, 11 bases deleted (CTGAATACTCC).
Protein change: p.Tyr2852_Ser2853insTer.
Molecular consequence: nonsense.
Genome position (GRCh38, 1-based): chr3:48,565,161-48,565,171, GGAGTATTCAG deleted on the plus strand (CTGAATACTCC on the coding strand, the reverse complement: COL7A1 is on the minus strand). VCF-style (leftmost placement, unchanged base first): chr3-48565160-CGGAGTATTCAG-C. GRCh37 (hg19) VCF-style: chr3-48602593-CGGAGTATTCAG-C.
Identifiers: ClinVar variation 933622 (VCV000933622.6), dbSNP rs2043546317, ClinGen allele CA1139658074.

ClinVar aggregate classification (germline): Pathogenic (1 of 4 stars; one submission).

Submission:

Labcorp Genetics (formerly Invitae), Labcorp
Classification: Pathogenic. Last evaluated: 2019-05-20. Review status: criteria provided, single submitter. Criteria: Invitae Variant Classification Sherloc (09022015). Collection method: clinical testing. Allele origin: germline.
Comment: This variant has not been reported in the literature in individuals with COL7A1-related conditions. For these reasons, this variant has been classified as Pathogenic. Loss-of-function variants in COL7A1 are known to be pathogenic (PMID: 16971478). This variant is not present in population databases (ExAC no frequency). This sequence change creates a premature translational stop signal (p.Ser2853*) in the COL7A1 gene. It is expected to result in an absent or disrupted protein product.

Literature cited by the submitters: PubMed 16971478.